The following is an entry in ClinVar:

ClinVar aggregate classification (germline): Conflicting classifications of pathogenicity. Review status: criteria provided, conflicting classifications (1 of 4 stars). 4 submissions from 4 submitters: Likely pathogenic (1); Uncertain significance (3). Last evaluated 2025-12-23.

Conditions:
Cardiovascular phenotype. Identifiers: MedGen CN230736.
Cardiac arrhythmia. Also called: Arrhythmia; Cardiac rhythm disease. Identifiers: MedGen C0003811, MONDO:0007263, HP:0011675.
Long QT syndrome (LQTS). Identifiers: MedGen C0023976, MeSH D008133, MONDO:0002442. Disease mechanism: loss of function. Inheritance: Various modes of inheritance.
Long QT syndrome 1 (LQT1). Identifiers: Orphanet 101016, Orphanet 768, MedGen C4551647, MONDO:0100316, OMIM 192500, MONDO:0008646.

Allele frequency attached by ClinVar (database versions not stated): TOPMed below 0.00001.

Submissions (4):

Labcorp Genetics (formerly Invitae), Labcorp
Classification: Uncertain significance for Long QT syndrome. Last evaluated: 2025-12-23. Review status: criteria provided, single submitter. Criteria: Invitae Variant Classification Sherloc (09022015). Collection method: clinical testing. Allele origin: germline.
Comment: This sequence change replaces arginine, which is basic and polar, with lysine, which is basic and polar, at codon 380 of the KCNQ1 protein (p.Arg380Lys). This variant is not present in population databases (gnomAD no frequency). This variant has not been reported in the literature in individuals affected with KCNQ1-related conditions. ClinVar contains an entry for this variant (Variation ID: 1171179). Invitae Evidence Modeling of protein sequence and biophysical properties (such as structural, functional, and spatial information, amino acid conservation, physicochemical variation, residue mobility, and thermodynamic stability) has been performed for this missense variant. However, the output from this modeling did not meet the statistical confidence thresholds required to predict the impact of this variant on KCNQ1 protein function. This variant disrupts the p.Arg380 amino acid residue in KCNQ1. Other variant(s) that disrupt this residue have been determined to be pathogenic (PMID: 15840476, 26344792; internal data). This suggests that this residue is clinically significant, and that variants that disrupt this residue are likely to be disease-causing. In summary, the available evidence is currently insufficient to determine the role of this variant in disease. Therefore, it has been classified as a Variant of Uncertain Significance.

Ambry Genetics
Classification: Uncertain significance for Cardiovascular phenotype. Last evaluated: 2025-09-03. Review status: criteria provided, single submitter. Criteria: Ambry Variant Classification Scheme 2023. Collection method: clinical testing. Allele origin: germline.
Comment: The p.R380K variant (also known as c.1139G>A), located in coding exon 9 of the KCNQ1 gene, results from a G to A substitution at nucleotide position 1139. The arginine at codon 380 is replaced by lysine, an amino acid with highly similar properties. This variant was reported in individual(s) with features consistent with long QT syndrome (Ambry internal data). This amino acid position is highly conserved in available vertebrate species. In addition, this alteration is predicted to be deleterious by in silico analysis. Based on the available evidence, the clinical significance of this variant remains unclear.

Color Diagnostics, LLC DBA Color Health
Classification: Uncertain significance for Cardiac arrhythmia. Last evaluated: 2024-02-01. Review status: criteria provided, single submitter. Criteria: ACMG Guidelines, 2015. Collection method: clinical testing. Allele origin: germline.
Comment: This missense variant replaces arginine with lysine at codon 380 of the KCNQ1 protein. This variant is found within a highly conserved region in C-terminal cytoplasmic domain (a.a. 349-391). Rare non-truncating variants in this region have been shown to be significantly overrepresented in individuals with long QT syndrome (PMID: 32893267). Computational prediction suggests that this variant may have deleterious impact on protein structure and function (internally defined REVEL score threshold >= 0.7, PMID: 27666373). To our knowledge, functional studies have not been reported for this variant. This variant has not been reported in individuals affected with KCNQ1-related disorders in the literature. This variant has not been identified in the general population by the Genome Aggregation Database (gnomAD). The available evidence is insufficient to determine the role of this variant in disease conclusively. Therefore, this variant is classified as a Variant of Uncertain Significance.

Victorian Clinical Genetics Services, Murdoch Childrens Research Institute
Classification: Likely pathogenic for Long QT syndrome 1. Last evaluated: 2022-09-02. Review status: criteria provided, single submitter. Criteria: ACMG Guidelines, 2015. Collection method: clinical testing. Allele origin: germline. Inheritance: Autosomal dominant inheritance. Affected: yes.
Comment: Based on the classification scheme VCGS_Germline_v1.3.4, this variant is classified as Likely pathogenic. Following criteria are met: 0103 - Dominant negative, loss of function and gain of function are known mechanisms of disease in this gene. Gain of function variants result exclusively in short QT syndrome (MIM#609621), while dominant negative and loss of function variants can cause long QT syndrome (LQTS, MIM#192500), atrial fibrillation (MIM#607554) and Jervell and Lange-Nielsen syndrome (JLNS, MIM#220400) (OMIM, PMIDs: 19632626, 28438721). (I) 0108 - This gene is known to be associated with both recessive and dominant disease. JLNS is characterised by congenital, bilateral deafness and variable degrees of QT prolongation, and is the only condition caused by biallelic pathogenic KCNQ1 variants (PMID: 28438721). (I) 0112 - The condition associated with this gene has incomplete penetrance (OMIM, PMID: 20301308). (I) 0200 - Variant is predicted to result in a missense amino acid change from arginine to lysine. (I) 0251 - This variant is heterozygous. (I) 0301 - Variant is absent from gnomAD (both v2 and v3). (SP) 0501 - Missense variant consistently predicted to be damaging by multiple in silico tools or highly conserved with a major amino acid change. (SP) 0604 - Variant is not located in an established domain, motif, hotspot or informative constraint region. (I) 0702 - Other missense variants comparable to the one identified in this case have strong previous evidence for pathogenicity. p.(Arg380Ser) and p.(Arg380Gly) have been reported in at least four unrelated individuals with long QT syndrome (PMIDs: 15840476, 19841300, 32893267, 26344792, 29654130, 19841298), and the former has been reported as pathogenic in a clinical laboratory (ClinVar). In addition, p.(Arg380Trp) has been reported as a VUS (ClinVar), and p.(Arg380Gln) has been reported in a HCM cohort (PMID: 25351510). (SP) 0809 - Previous evidence of pathogenicity for this variant is inconclusive. It has been reported as a VUS and heterozygous in an individual, however no further clinical information is available (ClinVar, personal communication). (I) 0903 - This variant has limited evidence for segregation with disease. (SP) 1007 - No published functional evidence has been identified for this variant. (I) Legend: (SP) - Supporting pathogenic, (I) - Information, (SB) - Supporting benign

Literature cited by the submitters: PubMed 15840476 (cited by Labcorp Genetics (formerly Invitae), Labcorp and Victorian Clinical Genetics Services, Murdoch Childrens Research Institute); PubMed 26344792 (cited by Labcorp Genetics (formerly Invitae), Labcorp and Victorian Clinical Genetics Services, Murdoch Childrens Research Institute); PubMed 32893267 (cited by Color Diagnostics, LLC DBA Color Health and Victorian Clinical Genetics Services, Murdoch Childrens Research Institute); PubMed 19632626 (cited by Victorian Clinical Genetics Services, Murdoch Childrens Research Institute); PubMed 19841298 (cited by Victorian Clinical Genetics Services, Murdoch Childrens Research Institute); PubMed 19841300 (cited by Victorian Clinical Genetics Services, Murdoch Childrens Research Institute); PubMed 20301308 (cited by Victorian Clinical Genetics Services, Murdoch Childrens Research Institute); PubMed 25351510 (cited by Victorian Clinical Genetics Services, Murdoch Childrens Research Institute); PubMed 28438721 (cited by Victorian Clinical Genetics Services, Murdoch Childrens Research Institute); PubMed 29654130 (cited by Victorian Clinical Genetics Services, Murdoch Childrens Research Institute).

NM_000218.3(KCNQ1):c.1139G>A (p.Arg380Lys)

Gene: KCNQ1 (potassium voltage-gated channel subfamily Q member 1; plus strand). Cytogenetic location: 11p15.5.
Variant type: single nucleotide variant.
Coding change: c.1139G>A on transcript NM_000218.3 (MANE Select); coding-DNA position 1139, G replaced by A.
Protein change: p.Arg380Lys; replaces arginine 380 with lysine.
Molecular consequence: missense variant.
Genome position (GRCh38, 1-based): chr11:2,587,580, G>A. VCF-style: chr11-2587580-G-A. GRCh37 (hg19) VCF-style: chr11-2608810-G-A.
Other names: c.1043G>A, p.Arg348Lys (NM_001406836.1); c.869G>A, p.Arg290Lys (NM_001406837.1); c.599G>A, p.Arg200Lys (NM_001406838.1); c.758G>A, p.Arg253Lys (NM_181798.2); short protein forms R253K, R380K, R200K, R290K, R348K.
Identifiers: ClinVar variation 1171179 (VCV001171179.9), dbSNP rs1848609806, ClinGen allele CA379134656.